The following is an entry in ClinVar:

NM_014249.4(NR2E3):c.416C>A (p.Thr139Asn)

Gene: NR2E3 (nuclear receptor subfamily 2 group E member 3; plus strand). Cytogenetic location: 15q23.
Variant type: single nucleotide variant.
Coding change: c.416C>A on transcript NM_014249.4 (MANE Select); coding-DNA position 416, C replaced by A.
Protein change: p.Thr139Asn; replaces threonine 139 with asparagine.
Molecular consequence: missense variant.
Genome position (GRCh38, 1-based): chr15:71,812,021, C>A. VCF-style: chr15-71812021-C-A. GRCh37 (hg19) VCF-style: chr15-72104361-C-A.
Other names: c.416C>A, p.Thr139Asn (NM_016346.4); short protein forms T139N.
Identifiers: ClinVar variation 4753540 (VCV004753540.1).

ClinVar aggregate classification (germline): Uncertain significance (1 of 4 stars; one submission).

gnomAD v4.1: 2 of 1,554,996 alleles (0.00013%); highest among the groups gnomAD compares: Non-Finnish European, 0.00017%; no homozygotes.

Submission:

Labcorp Genetics (formerly Invitae), Labcorp
Classification: Uncertain significance. Last evaluated: 2025-07-25. Review status: criteria provided, single submitter. Criteria: Invitae Variant Classification Sherloc (09022015). Collection method: clinical testing. Allele origin: germline.
Comment: This sequence change replaces threonine, which is neutral and polar, with asparagine, which is neutral and polar, at codon 139 of the NR2E3 protein (p.Thr139Asn). This variant is not present in population databases (gnomAD no frequency). This variant has not been reported in the literature in individuals affected with NR2E3-related conditions. Invitae Evidence Modeling of protein sequence and biophysical properties (such as structural, functional, and spatial information, amino acid conservation, physicochemical variation, residue mobility, and thermodynamic stability) indicates that this missense variant is not expected to disrupt NR2E3 protein function with a negative predictive value of 80%. In summary, the available evidence is currently insufficient to determine the role of this variant in disease. Therefore, it has been classified as a Variant of Uncertain Significance.